The following is an entry in ClinVar:

ClinVar aggregate classification (germline): Benign. Review status: reviewed by expert panel (3 of 4 stars). 7 submissions from 6 submitters: Benign (1). 6 of the submissions do not count toward it. Last evaluated 2025-11-19.

Conditions:
Congenital glaucoma. Identifiers: MedGen C0020302, MONDO:0020366.
CYP1B1-related glaucoma with or without anterior segment dysgenesis. Identifiers: MedGen CN375931, MONDO:0800472.
Irido-corneo-trabecular dysgenesis (ASGD5). Also called: ANTERIOR SEGMENT DYSGENESIS 5. Identifiers: Orphanet 708, MedGen C0344559, MONDO:0011414, OMIM 604229, HP:0000659.
Glaucoma 3A. Also called: Glaucoma 3, primary congenital, A. Identifiers: Orphanet 98976, Orphanet 98977, MedGen C1856439, MONDO:0009277, OMIM 231300.

Allele frequency attached by ClinVar (database versions not stated): ExAC 0.02209; gnomAD 0.06463 and 0.06879; ESP Exome Variant Server 0.07212; TOPMed 0.07222; 1000 Genomes Project 0.07648; 1000 Genomes Project 30x 0.08104.
gnomAD v4.1: 20,381 of 1,613,280 alleles (1.3%); highest among the groups gnomAD compares: African/African-American, 22%; 1,870 homozygotes.

Submissions (7):

ClinGen Glaucoma Variant Curation Expert Panel
Classification: Benign for CYP1B1-related glaucoma with or without anterior segment dysgenesis. Last evaluated: 2025-11-19. Review status: reviewed by expert panel. Criteria: ClinGen CYP1B1 ACMG Specifications V1 Approved. Collection method: curation. Allele origin: germline. Inheritance: Autosomal recessive inheritance.
Comment: The c.729G>C variant in CYP1B1 is a synonymous variant (p.Val243=). The highest minor allele frequency of this variant was in the African/African American genetic ancestry group of gnomAD (v4.1.0) = 0.2202, which met the ≥ 0.05 threshold set for BA1 (16,524 alleles out of 75,032, meeting the threshold of ≥ 5 of at least 2,000 observed alleles). The SpliceAI score = 0, which met the ≤ 0.1 threshold for BP4, suggesting that the variant does not impact CYP1B1 function. This synonymous variant is located outside of the first and the last 3 bases of the exon and BP4 is met, so BP7 is met. There was no functional evidence predicting a damaging or benign impact of this variant on CYP1B1 function. In summary, this variant was classified as benign (BA1 is a stand-alone criterion for a benign level of pathogenicity) for CYP1B1-related glaucoma with or without anterior segment dysgenesis (ASD) based on the ACMG/AMP criteria met, as specified by the ClinGen Glaucoma VCEP (v1.0, 06.11.2025): BA1, BP4, BP7

Labcorp Genetics (formerly Invitae), Labcorp
Classification: Benign for Congenital glaucoma. Last evaluated: 2026-02-04. Review status: criteria provided, single submitter. Criteria: Invitae Variant Classification Sherloc (09022015). Collection method: clinical testing. Allele origin: germline. Not counted in ClinVar's aggregate classification.

Illumina Laboratory Services, Illumina
Classification: Benign for Irido-corneo-trabecular dysgenesis. Last evaluated: 2018-01-13. Review status: criteria provided, single submitter. Criteria: ICSL Variant Classification Criteria 13 December 2019. Collection method: clinical testing. Allele origin: germline. Not counted in ClinVar's aggregate classification.
Comment: This variant was observed in the ICSL laboratory as part of a predisposition screen in an ostensibly healthy population. It had not been previously curated by ICSL or reported in the Human Gene Mutation Database (HGMD: prior to June 1st, 2018), and was therefore a candidate for classification through an automated scoring system. Utilizing variant allele frequency, disease prevalence and penetrance estimates, and inheritance mode, an automated score was calculated to assess if this variant is too frequent to cause the disease. Based on the score and internal cut-off values, a variant classified as benign is not then subjected to further curation. The score for this variant resulted in a classification of benign for this disease.

Illumina Laboratory Services, Illumina
Classification: Benign for Glaucoma 3A. Last evaluated: 2018-01-13. Review status: criteria provided, single submitter. Criteria: ICSL Variant Classification Criteria 13 December 2019. Collection method: clinical testing. Allele origin: germline. Not counted in ClinVar's aggregate classification.
Comment: the same text as in the submission from Illumina Laboratory Services, Illumina above.

GeneDx
Classification: Benign. Last evaluated: 2015-03-03. Review status: criteria provided, single submitter. Criteria: GeneDx Variant Classification Process June 2021. Collection method: clinical testing. Allele origin: germline. Affected: yes. Not counted in ClinVar's aggregate classification.

Eurofins Ntd Llc (ga)
Classification: Benign. Last evaluated: 2014-04-24. Review status: criteria provided, single submitter. Criteria: EGL Classification Definitions 2015. Collection method: clinical testing. Allele origin: germline. Observed: 1 variant allele, 1 heterozygote. Not counted in ClinVar's aggregate classification.

Breakthrough Genomics
Classification: Benign. Review status: criteria provided, single submitter. Criteria: ACMG Guidelines, 2015. Collection method: not provided. Allele origin: germline. Inheritance: Autosomal recessive inheritance. Affected: yes. Not counted in ClinVar's aggregate classification.

NM_000104.4(CYP1B1):c.729G>C (p.Val243=)

Gene: CYP1B1 (cytochrome P450 family 1 subfamily B member 1; minus strand). Cytogenetic location: 2p22.2.
Variant type: single nucleotide variant.
Coding change: c.729G>C on transcript NM_000104.4 (MANE Select); coding-DNA position 729, G replaced by C.
Protein change: p.Val243=; no amino-acid change (valine 243 retained).
Molecular consequence: synonymous variant.
Genome position (GRCh38, 1-based): chr2:38,074,660, C>G on the plus strand (G>C on the coding strand, the complement: CYP1B1 is on the minus strand). VCF-style: chr2-38074660-C-G. GRCh37 (hg19) VCF-style: chr2-38301803-C-G.
Other names: NM_000104.4:c.729G>C.
Identifiers: ClinVar variation 166972 (VCV000166972.22), dbSNP rs9341249, ClinGen allele CA179952.